The following is an entry in ClinVar:

NM_172107.4(KCNQ2):c.31T>C (p.Tyr11His)

Gene: KCNQ2 (potassium voltage-gated channel subfamily Q member 2; minus strand). Cytogenetic location: 20q13.33.
Variant type: single nucleotide variant.
Coding change: c.31T>C on transcript NM_172107.4 (MANE Select); coding-DNA position 31, T replaced by C.
Protein change: p.Tyr11His; replaces tyrosine 11 with histidine.
Molecular consequence: missense variant.
Genome position (GRCh38, 1-based): chr20:63,472,433, A>G on the plus strand (T>C on the coding strand, the complement: KCNQ2 is on the minus strand). VCF-style: chr20-63472433-A-G. GRCh37 (hg19) VCF-style: chr20-62103786-A-G.
Other names: c.31T>C, p.Tyr11His (NM_004518.6, NM_172106.3, NM_172108.5 and 1 more transcripts); short protein forms Y11H.
Identifiers: ClinVar variation 461420 (VCV000461420.9), dbSNP rs1270851643, ClinGen allele CA409636222.

ClinVar aggregate classification (germline): Uncertain significance (1 of 4 stars; one submission).

Conditions:
Early-infantile DEE. Also called: Early infantile epileptic encephalopathy; Ohtahara syndrome; Early infantile epileptic encephalopathy with suppression bursts. Identifiers: Orphanet 1934, MedGen C0393706, MONDO:0800491.

Allele frequency attached by ClinVar (database versions not stated): gnomAD exomes 0.00001; TOPMed 0.00001.
gnomAD v4.1: 12 of 1,534,968 alleles (0.00078%); highest among the groups gnomAD compares: Non-Finnish European, 0.001%; no homozygotes.

Submission:

Labcorp Genetics (formerly Invitae), Labcorp
Classification: Uncertain significance for Early-infantile DEE. Last evaluated: 2020-01-27. Review status: criteria provided, single submitter. Criteria: Invitae Variant Classification Sherloc (09022015). Collection method: clinical testing. Allele origin: germline.
Comment: In summary, this variant is a novel missense change with uncertain impact on protein function. It has been classified as a Variant of Uncertain Significance. Algorithms developed to predict the effect of missense changes on protein structure and function do not agree on the potential impact of this missense change (SIFT: "Tolerated"; PolyPhen-2: "Possibly Damaging"; Align-GVGD: "Class C0"). While this variant is not present in population databases, the frequency information is unreliable, as metrics indicate poor data quality at this position in the ExAC database. This variant has not been reported in the literature in individuals with a KCNQ2-related disease. This sequence change replaces tyrosine with histidine at codon 11 of the KCNQ2 protein (p.Tyr11His). The tyrosine residue is moderately conserved and there is a moderate physicochemical difference between tyrosine and histidine.